The following is an entry in ClinVar:

NM_018451.5(CPAP):c.3591G>C (p.Val1197=)

Genes: CPAP (centrosome assembly and centriole elongation protein; minus strand), RNF17 (ring finger protein 17; plus strand). Cytogenetic location: 13q12.12.
Variant type: single nucleotide variant.
Coding change: c.3591G>C on transcript NM_018451.5 (MANE Select); coding-DNA position 3591, G replaced by C.
Protein change: p.Val1197=; no amino-acid change (valine 1197 retained).
Molecular consequence: synonymous variant. On other transcripts: non-coding transcript variant (2).
Genome position (GRCh38, 1-based): chr13:24,884,350, C>G on the plus strand (G>C on the coding strand, the complement: CPAP is on the minus strand). VCF-style: chr13-24884350-C-G. GRCh37 (hg19) VCF-style: chr13-25458488-C-G.
Identifiers: ClinVar variation 2643697 (VCV002643697.24), dbSNP rs149001401, ClinGen allele CA6919228.
Genomic context (GRCh38, chr13:24,884,350, plus strand): 5'-AAACTATGGAGGAGAACACCTCTGGAAACATACCACTCTTTGGTCTGGCATGACCTGCTT[C>G]ACGTCACCATTAAAGAAAGTGACAGTGATGGTCTTCCCATCTGCACTCACTTCCTTTCGA-3'
Protein context (NP_060921.3, residues 1187-1207): TITVTFFNGD[Val1197=]KQVMPDQRVI

ClinVar aggregate classification (germline): Likely benign (1 of 4 stars; one submission).

Allele frequency attached by ClinVar (database versions not stated): TOPMed below 0.00001; ExAC 0.00001; ESP Exome Variant Server 0.00008.
gnomAD v4.1: 7 of 1,614,182 alleles (0.00043%); highest among the groups gnomAD compares: Non-Finnish European, 0.00059%; no homozygotes.

Submission:

CeGaT Center for Human Genetics Tuebingen
Classification: Likely benign. Last evaluated: 2022-12-01. Review status: criteria provided, single submitter. Criteria: CeGaT Center For Human Genetics Tuebingen Variant Classification Criteria Version 2. Collection method: clinical testing. Allele origin: germline. Affected: yes. Observed: 1 variant allele.
Comment: CPAP: BP4, BP7